The following is an entry in ClinVar:

NM_012275.3(IL36RN):c.302A>T (p.Tyr101Phe)

Gene: IL36RN (interleukin 36 receptor antagonist; plus strand). Cytogenetic location: 2q14.1.
Variant type: single nucleotide variant.
Coding change: c.302A>T on transcript NM_012275.3 (MANE Select); coding-DNA position 302, A replaced by T.
Protein change: p.Tyr101Phe; replaces tyrosine 101 with phenylalanine.
Molecular consequence: missense variant.
Genome position (GRCh38, 1-based): chr2:113,062,511, A>T. VCF-style: chr2-113062511-A-T. GRCh37 (hg19) VCF-style: chr2-113820088-A-T.
Other names: c.302A>T, p.Tyr101Phe (NM_173170.1); short protein forms Y101F.
Identifiers: ClinVar variation 1025575 (VCV001025575.6), dbSNP rs769214649, ClinGen allele CA1838431.

ClinVar aggregate classification (germline): Uncertain significance (1 of 4 stars; one submission).

Conditions:
Generalized pustular psoriasis. Identifiers: Orphanet 247353, MedGen C0343055, MONDO:0100491.

Allele frequency attached by ClinVar (database versions not stated): gnomAD exomes below 0.00001 and 0.00002; ExAC 0.00003; gnomAD 0.00003 and 0.00004; TOPMed 0.00006.

Submission:

Labcorp Genetics (formerly Invitae), Labcorp
Classification: Uncertain significance for Generalized pustular psoriasis. Last evaluated: 2022-09-27. Review status: criteria provided, single submitter. Criteria: Invitae Variant Classification Sherloc (09022015). Collection method: clinical testing. Allele origin: germline.
Comment: This sequence change replaces tyrosine, which is neutral and polar, with phenylalanine, which is neutral and non-polar, at codon 101 of the IL36RN protein (p.Tyr101Phe). This variant is present in population databases (rs769214649, gnomAD 0.02%). This variant has not been reported in the literature in individuals affected with IL36RN-related conditions. ClinVar contains an entry for this variant (Variation ID: 1025575). Algorithms developed to predict the effect of missense changes on protein structure and function (SIFT, PolyPhen-2, Align-GVGD) all suggest that this variant is likely to be tolerated. In summary, the available evidence is currently insufficient to determine the role of this variant in disease. Therefore, it has been classified as a Variant of Uncertain Significance.